The following is an entry in ClinVar:

NM_001277115.2(DNAH11):c.4964A>T (p.Lys1655Ile)

Gene: DNAH11 (dynein axonemal heavy chain 11; plus strand). Cytogenetic location: 7p15.3.
Variant type: single nucleotide variant.
Coding change: c.4964A>T on transcript NM_001277115.2 (MANE Select); coding-DNA position 4964, A replaced by T.
Protein change: p.Lys1655Ile; replaces lysine 1655 with isoleucine.
Molecular consequence: missense variant.
Genome position (GRCh38, 1-based): chr7:21,655,851, A>T. VCF-style: chr7-21655851-A-T. GRCh37 (hg19) VCF-style: chr7-21695469-A-T.
Other names: c.4979A>T, p.Lys1660Ile (NM_003777.3); short protein forms K1655I, K1660I.
Identifiers: ClinVar variation 3221488 (VCV003221488.1), dbSNP rs371049362, ClinGen allele CA155083065.

ClinVar aggregate classification (germline): Uncertain significance (1 of 4 stars; one submission).

Conditions:
Primary ciliary dyskinesia. Also called: Ciliary dyskinesia. Identifiers: Orphanet 244, MedGen C0008780, MONDO:0016575, HP:0012265.

gnomAD v4.1: 5 of 1,613,158 alleles (0.00031%); highest among the groups gnomAD compares: Admixed American, 0.0083%; no homozygotes.

Submission:

Ambry Genetics
Classification: Uncertain significance for Primary ciliary dyskinesia. Last evaluated: 2023-10-23. Review status: criteria provided, single submitter. Criteria: Ambry Variant Classification Scheme 2023. Collection method: clinical testing. Allele origin: germline.
Comment: The p.K1655I variant (also known as c.4964A>T), located in coding exon 29 of the DNAH11 gene, results from an A to T substitution at nucleotide position 4964. The lysine at codon 1655 is replaced by isoleucine, an amino acid with dissimilar properties. This amino acid position is conserved. In addition, the in silico prediction for this alteration is inconclusive. Since supporting evidence is limited at this time, the clinical significance of this alteration remains unclear.